The following is an entry in ClinVar:

ClinVar aggregate classification (germline): Likely pathogenic (0 of 4 stars; one submission).

Conditions:
Glycine encephalopathy. Also called: Nonketotic hyperglycinemia; Non-ketotic hyperglycinemia. Identifiers: Orphanet 407, MedGen C0751748, MONDO:0011612, HP:0008288.

Submission:

Juha Muilu Group; Institute for Molecular Medicine Finland (FIMM)
Classification: Likely pathogenic for Non-ketotic hyperglycinemia. Review status: no assertion criteria provided. Collection method: not provided. Allele origin: unknown.
Comment: FinDis database variant: This variant was not found or characterized by our laboratory, data were collected from public sources: see reference
ClinVar note: Converted during submission from probable-pathogenic to Likely pathogenic.

NM_000481.4(AMT):c.63del (p.Leu22fs)

Genes: NICN1 (nicolin 1, tubulin polyglutamylase complex subunit; minus strand), AMT (aminomethyltransferase; minus strand). Cytogenetic location: 3p21.31.
Variant type: Deletion.
Coding change: c.63del on transcript NM_000481.4 (MANE Select); coding-DNA position 63, one base deleted (C; older notation c.63delC).
Protein change: p.Leu22fs; shifts the reading frame from leucine 22.
Molecular consequence: frameshift variant. On other transcripts: non-coding transcript variant (1), 3 prime UTR variant (1).
Genome position (GRCh38, 1-based): chr3:49,422,388, G deleted on the plus strand (C on the coding strand, the reverse complement: AMT is on the minus strand); the first of 2 consecutive G bases (chr3:49,422,388-49,422,389); deleting either gives the same sequence. VCF-style (leftmost placement, unchanged base first): chr3-49422387-AG-A. GRCh37 (hg19) VCF-style: chr3-49459820-AG-A.
Other names: c.63delC (NM_000481.3); c.63del, p.Leu22fs (NM_001164710.2, NM_001164711.2, NM_001164712.2); c.*2445del (NM_032316.3); short protein forms L22fs.
Identifiers: ClinVar variation 56237 (VCV000056237.2), dbSNP rs386833688, ClinGen allele CA263582.